The following is an entry in ClinVar:

NM_178857.6(RP1L1):c.4003G>A (p.Gly1335Arg)

Gene: RP1L1 (RP1 like 1). Cytogenetic location: 8p23.1.
Variant type: single nucleotide variant.
Coding change: c.4003G>A on transcript NM_178857.6 (MANE Select); coding-DNA position 4003, G replaced by A.
Protein change: p.Gly1335Arg; replaces glycine 1335 with arginine.
Molecular consequence: missense variant.
Genome position (GRCh38, 1-based): chr8:10,610,095, C>T on the plus strand (G>A on the coding strand, the complement: RP1L1 is on the minus strand). VCF-style: chr8-10610095-C-T. GRCh37 (hg19) VCF-style: chr8-10467605-C-T.
Other names: short protein forms G1335R.
Identifiers: ClinVar variation 361294 (VCV000361294.9), dbSNP rs61503212, ClinGen allele CA4624230.

ClinVar aggregate classification (germline): Benign. Review status: criteria provided, multiple submitters, no conflicts (2 of 4 stars). 3 submissions from 3 submitters: Benign (3). Last evaluated 2019-04-08.

Conditions:
Occult macular dystrophy (OCMD). Also called: OMD; OCCULT MACULAR DYSTROPHY, SUSCEPTIBILITY TO. Identifiers: Orphanet 247834, MedGen C3150833, MONDO:0013316, OMIM 613587, HP:0030636.

Allele frequency attached by ClinVar (database versions not stated): gnomAD 0.02863 and 0.02991; gnomAD exomes 0.02452; ExAC 0.10271.

Submissions (3):

GeneDx
Classification: Benign. Last evaluated: 2019-04-08. Review status: criteria provided, single submitter. Criteria: GeneDx Variant Classification Process June 2021. Collection method: clinical testing. Allele origin: germline. Affected: yes.

Illumina Laboratory Services, Illumina
Classification: Benign for Occult macular dystrophy. Last evaluated: 2018-01-12. Review status: criteria provided, single submitter. Criteria: ICSL Variant Classification Criteria 13 December 2019. Collection method: clinical testing. Allele origin: germline.
Comment: This variant was observed in the ICSL laboratory as part of a predisposition screen in an ostensibly healthy population. It had not been previously curated by ICSL or reported in the Human Gene Mutation Database (HGMD: prior to June 1st, 2018), and was therefore a candidate for classification through an automated scoring system. Utilizing variant allele frequency, disease prevalence and penetrance estimates, and inheritance mode, an automated score was calculated to assess if this variant is too frequent to cause the disease. Based on the score and internal cut-off values, a variant classified as benign is not then subjected to further curation. The score for this variant resulted in a classification of benign for this disease.

Breakthrough Genomics
Classification: Benign. Review status: criteria provided, single submitter. Criteria: ACMG Guidelines, 2015. Collection method: not provided. Allele origin: germline. Inheritance: Autosomal recessive inheritance. Affected: yes.